The following is an entry in ClinVar:

NM_000719.7(CACNA1C):c.950C>T (p.Ala317Val)

Gene: CACNA1C (calcium voltage-gated channel subunit alpha1 C; plus strand). Cytogenetic location: 12p13.33.
Variant type: single nucleotide variant.
Coding change: c.950C>T on transcript NM_000719.7 (MANE Select); coding-DNA position 950, C replaced by T.
Protein change: p.Ala317Val; replaces alanine 317 with valine.
Molecular consequence: missense variant.
Genome position (GRCh38, 1-based): chr12:2,493,223, C>T. VCF-style: chr12-2493223-C-T. GRCh37 (hg19) VCF-style: chr12-2602389-C-T.
Other names: c.950C>T, p.Ala317Val (NM_001129827.2, NM_001129829.2, NM_001129830.3 and 18 more transcripts); c.941C>T, p.Ala314Val (NM_001129844.2); short protein forms A317V, A314V.
Identifiers: ClinVar variation 418782 (VCV000418782.8), dbSNP rs533892755, ClinGen allele CA6388579.
Genomic context (GRCh38, chr12:2,493,223, plus strand): 5'-TCTCCTGTCTTCTTCTGGCCATTTGAGATGTTCCAGCAGAAGATGACCCTTCCCCTTGTG[C>T]GCTGGAAACGGGCCACGGGCGGCAGTGCCAGAACGGCACGGTGTGCAAGCCCGGCTGGGA-3'
Protein context (NP_000710.5, residues 307-327): VPAEDDPSPC[Ala317Val]LETGHGRQCQ

ClinVar aggregate classification (germline): Uncertain significance. Review status: criteria provided, multiple submitters, no conflicts (2 of 4 stars). 4 submissions from 4 submitters: Uncertain significance (4). Last evaluated 2025-11-26.

Conditions:
Cardiovascular phenotype. Identifiers: MedGen CN230736.
CACNA1C-related disorder. Also called: CACNA1C-related disorders; CACNA1C-related condition. Identifiers: MedGen CN381092, MONDO:0700321.
Long QT syndrome (LQTS). Identifiers: MedGen C0023976, MeSH D008133, MONDO:0002442. Disease mechanism: loss of function. Inheritance: Various modes of inheritance.

Allele frequency attached by ClinVar (database versions not stated): gnomAD exomes below 0.00001; TOPMed below 0.00001.
gnomAD v4.1: 1 of 1,613,982 alleles (0.000062%); highest among the groups gnomAD compares: Non-Finnish European, 0.000085%; no homozygotes.

Submissions (4):

Labcorp Genetics (formerly Invitae), Labcorp
Classification: Uncertain significance for Long QT syndrome. Last evaluated: 2025-11-26. Review status: criteria provided, single submitter. Criteria: Invitae Variant Classification Sherloc (09022015). Collection method: clinical testing. Allele origin: germline.
Comment: This sequence change replaces alanine, which is neutral and non-polar, with valine, which is neutral and non-polar, at codon 317 of the CACNA1C protein (p.Ala317Val). This variant is present in population databases (rs533892755, gnomAD 0.006%). This variant has not been reported in the literature in individuals affected with CACNA1C-related conditions. ClinVar contains an entry for this variant (Variation ID: 418782). Invitae Evidence Modeling of protein sequence and biophysical properties (such as structural, functional, and spatial information, amino acid conservation, physicochemical variation, residue mobility, and thermodynamic stability) indicates that this missense variant is expected to disrupt CACNA1C protein function with a positive predictive value of 95%. In summary, the available evidence is currently insufficient to determine the role of this variant in disease. Therefore, it has been classified as a Variant of Uncertain Significance.

PreventionGenetics, part of Exact Sciences
Classification: Uncertain significance for CACNA1C-related condition. Last evaluated: 2025-06-09. Review status: criteria provided, single submitter. Criteria: ACMG Guidelines, 2015. Collection method: clinical testing. Allele origin: germline.
Comment: The CACNA1C c.950C>T variant is predicted to result in the amino acid substitution p.Ala317Val. To our knowledge, this variant has not been reported in the literature. This variant is reported in 0.0055% of alleles in individuals of East Asian descent in gnomAD. At this time, the clinical significance of this variant is uncertain due to the absence of conclusive functional and genetic evidence.

Ambry Genetics
Classification: Uncertain significance for Cardiovascular phenotype. Last evaluated: 2020-03-06. Review status: criteria provided, single submitter. Criteria: Ambry Variant Classification Scheme 2023. Collection method: clinical testing. Allele origin: germline.
Comment: The p.A317V variant (also known as c.950C>T), located in coding exon 7 of the CACNA1C gene, results from a C to T substitution at nucleotide position 950. The alanine at codon 317 is replaced by valine, an amino acid with similar properties. This amino acid position is highly conserved in available vertebrate species. In addition, this alteration is predicted to be deleterious by in silico analysis. Since supporting evidence is limited at this time, the clinical significance of this alteration remains unclear.

GeneDx
Classification: Uncertain significance. Last evaluated: 2015-04-01. Review status: criteria provided, single submitter. Criteria: GeneDx Variant Classification (06012015). Collection method: clinical testing. Allele origin: germline. Affected: yes.
Comment: The A317V variant in the CACNA1C gene has not been published as a pathogenic variant, nor has it been reported as a benign polymorphism to our knowledge. The A317V variant was not observed in approximately 6400 individuals of European and African American ancestry in the NHLBI Exome Sequencing Project, indicating it is not a common benign variant in these populations. The A317V variant is a conservative amino acid substitution, which is not likely to impact secondary protein structure as these residues share similar properties. This substitution occurs at a position that is conserved across species. In silico analysis predicts this variant is probably damaging to the protein structure/function. We interpret A317V as a variant of unknown significance.